The following is an entry in ClinVar:

NM_016169.4(SUFU):c.183-1G>T

Gene: SUFU (SUFU negative regulator of hedgehog signaling; plus strand). Cytogenetic location: 10q24.32.
Variant type: single nucleotide variant.
Coding change: c.183-1G>T on transcript NM_016169.4 (MANE Select); the canonical splice acceptor site of the intron before coding-DNA position 183, G replaced by T.
Molecular consequence: splice acceptor variant.
Genome position (GRCh38, 1-based): chr10:102,509,168, G>T. VCF-style: chr10-102509168-G-T. GRCh37 (hg19) VCF-style: chr10-104268925-G-T.
Other names: c.183-1G>T (NM_001178133.2).
Identifiers: ClinVar variation 2925459 (VCV002925459.3), dbSNP rs1554841447, ClinGen allele CA377888084.
Genomic context (GRCh38, chr10:102,509,168, plus strand): 5'-TAGCTTGACATTGTCTGATTTCCAGGCTTACACTAACACCCCTGTGTTTTGTTTTTTGCA[G>T]GTTGGGTGGCCCAGACCCCTTGGACTATGTTAGCATGTACAGGAATGTGGGGAGCCCTTC-3'

ClinVar aggregate classification (germline): Likely pathogenic (1 of 4 stars; one submission).

Conditions:
Gorlin syndrome. Also called: Nevoid Basal Cell Carcinoma Syndrome; Basal cell nevus syndrome. Identifiers: Orphanet 377, MedGen C0004779, MONDO:0007187.
Medulloblastoma (MDB). Also called: Medulloblastoma, somatic; MEDULLOBLASTOMA PREDISPOSITION SYNDROME. Identifiers: Orphanet 616, MedGen C0025149, MeSH D008527, MONDO:0007959, OMIM 155255, HP:0002885.

Submission:

Labcorp Genetics (formerly Invitae), Labcorp
Classification: Likely pathogenic for Gorlin syndrome; Medulloblastoma. Last evaluated: 2023-08-04. Review status: criteria provided, single submitter. Criteria: Invitae Variant Classification Sherloc (09022015). Collection method: clinical testing. Allele origin: germline.
Comment: In summary, the currently available evidence indicates that the variant is pathogenic, but additional data are needed to prove that conclusively. Therefore, this variant has been classified as Likely Pathogenic. Algorithms developed to predict the effect of sequence changes on RNA splicing suggest that this variant may disrupt the consensus splice site. Disruption of this splice site has been observed in individual(s) with autosomal dominant SUFU-related conditions (PMID: 12068298; Invitae). This variant is not present in population databases (gnomAD no frequency). This sequence change affects an acceptor splice site in intron 1 of the SUFU gene. It is expected to disrupt RNA splicing. Variants that disrupt the donor or acceptor splice site typically lead to a loss of protein function (PMID: 16199547), and loss-of-function variants in SUFU are known to be pathogenic (PMID: 22508808, 25403219, 33024317).

Literature cited by the submitters: PubMed 12068298; PubMed 16199547; PubMed 22508808; PubMed 25403219; PubMed 33024317.